The following is an entry in ClinVar:

NM_000059.4(BRCA2):c.2816C>A (p.Thr939Asn)

Gene: BRCA2 (BRCA2 DNA repair associated; plus strand). Cytogenetic location: 13q13.1.
Variant type: single nucleotide variant.
Coding change: c.2816C>A on transcript NM_000059.4 (MANE Select); coding-DNA position 2816, C replaced by A.
Protein change: p.Thr939Asn; replaces threonine 939 with asparagine.
Molecular consequence: missense variant. On other transcripts: non-coding transcript variant (1), intron variant (2).
Genome position (GRCh38, 1-based): chr13:32,337,171, C>A. VCF-style: chr13-32337171-C-A. GRCh37 (hg19) VCF-style: chr13-32911308-C-A.
Other names: c.2816C>A, p.Thr939Asn (NM_001406719.1, NM_001406720.1, NM_001432077.1); c.1909+3784C>A (NM_001406721.1); c.424+6141C>A (NM_001406722.1); short protein forms T939N.
Identifiers: ClinVar variation 3386238 (VCV003386238.1).

ClinVar aggregate classification (germline): Uncertain significance (1 of 4 stars; one submission).

Conditions:
BRCA2-related cancer predisposition. Identifiers: MedGen CN377758, MONDO:0700269.

gnomAD v4.1: 1 of 1,613,632 alleles (0.000062%); highest among the groups gnomAD compares: Non-Finnish European, 0.000085%; no homozygotes.

Submission:

All of Us Research Program, National Institutes of Health
Classification: Uncertain significance for BRCA2-related cancer predisposition. Last evaluated: 2024-04-16. Review status: criteria provided, single submitter. Criteria: ACMG Guidelines, 2015. Collection method: clinical testing. Allele origin: germline. Inheritance: Autosomal dominant inheritance. Observed: 1 variant allele, 1 heterozygote.
Comment: This missense variant replaces threonine with asparagine at codon 939 of the BRCA2 protein. Computational prediction suggests that this variant may not impact protein structure and function. To our knowledge, functional studies have not been reported for this variant. This variant has not been reported in individuals affected with BRCA2-related disorders in the literature. This variant has not been identified in the general population by the Genome Aggregation Database (gnomAD). The available evidence is insufficient to determine the role of this variant in disease conclusively. Therefore, this variant is classified as a Variant of Uncertain Significance.

This study involves interpretation of variants in research participants for the purpose of population health screening. Participant phenotype was not available at the time of variant classification. Additional details can be found in publication PMID: 35346344, PMCID: PMC8962531